The following is an entry in ClinVar:

NM_138395.4(MARS2):c.1775G>A (p.Arg592Gln)

Gene: MARS2 (methionyl-tRNA synthetase 2, mitochondrial; plus strand). Cytogenetic location: 2q33.1.
Variant type: single nucleotide variant.
Coding change: c.1775G>A on transcript NM_138395.4 (MANE Select); coding-DNA position 1775, G replaced by A.
Protein change: p.Arg592Gln; replaces arginine 592 with glutamine.
Molecular consequence: missense variant.
Genome position (GRCh38, 1-based): chr2:197,707,180, G>A. VCF-style: chr2-197707180-G-A. GRCh37 (hg19) VCF-style: chr2-198571904-G-A.
Other names: short protein forms R592Q.
Identifiers: ClinVar variation 379325 (VCV000379325.9), dbSNP rs377701225, ClinGen allele CA2044806.
Genomic context (GRCh38, chr2:197,707,180, plus strand): 5'-AAACTGGGCTTTTGTTTCCAAGACTAGACCAGTCCAGGACTTGGCTGGTGAAAGCCCACC[G>A]GACCTAGAAACTCAGTTCTTACCGGCTTGTGGTAAAAAAGCAAATGTGTTATCTTTTTAT-3'
Protein context (NP_612404.1, residues 582-593): QSRTWLVKAH[Arg592Gln]T

ClinVar aggregate classification (germline): Uncertain significance. Review status: criteria provided, multiple submitters, no conflicts (2 of 4 stars). 2 submissions from 2 submitters: Uncertain significance (2). Last evaluated 2025-08-07.

Allele frequency attached by ClinVar (database versions not stated): ExAC 0.00001; gnomAD exomes 0.00002 and 0.00004; gnomAD 0.00004; TOPMed 0.00005; ESP Exome Variant Server 0.00015.

Submissions (2):

GeneDx
Classification: Uncertain significance. Last evaluated: 2025-08-07. Review status: criteria provided, single submitter. Criteria: GeneDx Variant Classification Process June 2021. Collection method: clinical testing. Allele origin: germline. Affected: yes.
Comment: Has not been previously published as pathogenic or benign to our knowledge; Not observed at significant frequency in large population cohorts (gnomAD); In silico analysis suggests that this missense variant does not alter protein structure/function

Labcorp Genetics (formerly Invitae), Labcorp
Classification: Uncertain significance. Last evaluated: 2021-12-02. Review status: criteria provided, single submitter. Criteria: Invitae Variant Classification Sherloc (09022015). Collection method: clinical testing. Allele origin: germline.
Comment: This sequence change replaces arginine, which is basic and polar, with glutamine, which is neutral and polar, at codon 592 of the MARS2 protein (p.Arg592Gln). This variant is present in population databases (rs377701225, gnomAD 0.005%). This variant has not been reported in the literature in individuals affected with MARS2-related conditions. ClinVar contains an entry for this variant (Variation ID: 379325). Algorithms developed to predict the effect of missense changes on protein structure and function (SIFT, PolyPhen-2, Align-GVGD) all suggest that this variant is likely to be tolerated. In summary, the available evidence is currently insufficient to determine the role of this variant in disease. Therefore, it has been classified as a Variant of Uncertain Significance.